The following is an entry in ClinVar:

NM_015512.5(DNAH1):c.10757T>C (p.Phe3586Ser)

Gene: DNAH1 (dynein axonemal heavy chain 1; plus strand). Cytogenetic location: 3p21.1.
Variant type: single nucleotide variant.
Coding change: c.10757T>C on transcript NM_015512.5 (MANE Select); coding-DNA position 10757, T replaced by C.
Protein change: p.Phe3586Ser; replaces phenylalanine 3586 with serine.
Molecular consequence: missense variant.
Genome position (GRCh38, 1-based): chr3:52,394,595, T>C. VCF-style: chr3-52394595-T-C. GRCh37 (hg19) VCF-style: chr3-52428611-T-C.
Other names: c.10757T>C (NM_015512.4); short protein forms F3586S.
Identifiers: ClinVar variation 4962908 (VCV004962908.2).

ClinVar aggregate classification (germline): Uncertain significance. Review status: criteria provided, multiple submitters, no conflicts (2 of 4 stars). 2 submissions from 2 submitters: Uncertain significance (2). Last evaluated 2024-11-27.

Conditions:
DNAH1-related disorder. Also called: DNAH1-related condition.

gnomAD v4.1: 21 of 1,608,920 alleles (0.0013%); highest among the groups gnomAD compares: South Asian, 0.0044%; no homozygotes.

Submissions (2):

PreventionGenetics, part of Exact Sciences
Classification: Uncertain significance for DNAH1-related condition. Last evaluated: 2024-11-27. Review status: criteria provided, single submitter. Criteria: ACMG Guidelines, 2015. Collection method: clinical testing. Allele origin: germline.
Comment: The DNAH1 c.10757T>C variant is predicted to result in the amino acid substitution p.Phe3586Ser. This variant has been reported in the compound heterozygous state in an individual with multiple morphological abnormalities of the flagella (Wang et al. 2023. PubMed ID: 36510862). This variant is reported in 0.010% of alleles in individuals of South Asian descent in gnomAD. Although we suspect that this variant may be pathogenic, at this time, the clinical significance of this variant is uncertain due to the absence of conclusive functional and genetic evidence.

Blueprint Genetics
Classification: Uncertain significance. Last evaluated: 2024-03-12. Review status: criteria provided, single submitter. Criteria: ACMG Guidelines, 2015. Collection method: clinical testing. Allele origin: germline.